The following is an entry in ClinVar:

NM_002547.3(OPHN1):c.1588C>A (p.Pro530Thr)

Gene: OPHN1 (oligophrenin 1; minus strand). Cytogenetic location: Xq12.
Variant type: single nucleotide variant.
Coding change: c.1588C>A on transcript NM_002547.3 (MANE Select); coding-DNA position 1588, C replaced by A.
Protein change: p.Pro530Thr; replaces proline 530 with threonine.
Molecular consequence: missense variant.
Genome position (GRCh38, 1-based): chrX:68,096,968, G>T on the plus strand (C>A on the coding strand, the complement: OPHN1 is on the minus strand). VCF-style: chrX-68096968-G-T. GRCh37 (hg19) VCF-style: chrX-67316810-G-T.
Other names: short protein forms P530T.
Identifiers: ClinVar variation 3603117 (VCV003603117.2).

ClinVar aggregate classification (germline): Uncertain significance (1 of 4 stars; one submission).

Submission:

GeneDx
Classification: Uncertain significance. Last evaluated: 2026-01-12. Review status: criteria provided, single submitter. Criteria: GeneDx Variant Classification Process June 2021. Collection method: clinical testing. Allele origin: germline.
Comment: Not observed at significant frequency in large population cohorts (gnomAD); In silico analysis supports that this missense variant has a deleterious effect on protein structure/function; Has not been previously published as pathogenic or benign to our knowledge